The following is an entry in ClinVar:

ClinVar aggregate classification (germline): Pathogenic. Review status: criteria provided, multiple submitters, no conflicts (2 of 4 stars). 2 submissions from 2 submitters: Pathogenic (2). Last evaluated 2023-12-27.

Conditions:
Primary ciliary dyskinesia 25 (CILD25). Also called: CILIARY DYSKINESIA, PRIMARY, 25, WITH OR WITHOUT SITUS INVERSUS. Identifiers: Orphanet 244, MedGen C3809641, MONDO:0014203, OMIM 615482.

Allele frequency attached by ClinVar (database versions not stated): gnomAD exomes below 0.00001; TOPMed 0.00001.
gnomAD v4.1: 2 of 1,612,840 alleles (0.00012%); highest among the groups gnomAD compares: South Asian, 0.0011%; no homozygotes.

Submissions (2):

Revvity Omics, Revvity
Classification: Pathogenic for Primary ciliary dyskinesia 25. Last evaluated: 2023-12-27. Review status: criteria provided, single submitter. Criteria: ACMG Guidelines, 2015. Collection method: clinical testing. Allele origin: germline.

Labcorp Genetics (formerly Invitae), Labcorp
Classification: Pathogenic. Last evaluated: 2023-10-03. Review status: criteria provided, single submitter. Criteria: Invitae Variant Classification Sherloc (09022015). Collection method: clinical testing. Allele origin: germline.
Comment: This sequence change creates a premature translational stop signal (p.Gln11*) in the DYX1C1 gene. It is expected to result in an absent or disrupted protein product. Loss-of-function variants in DYX1C1 are known to be pathogenic (PMID: 23872636). This variant is present in population databases (no rsID available, gnomAD 0.003%). This premature translational stop signal has been observed in individual(s) with primary ciliary dyskinesia (PMID: 33635866). ClinVar contains an entry for this variant (Variation ID: 525326). For these reasons, this variant has been classified as Pathogenic.

Literature cited by the submitters: PubMed 23872636 (cited by Labcorp Genetics (formerly Invitae), Labcorp); PubMed 33635866 (cited by Labcorp Genetics (formerly Invitae), Labcorp).

NM_130810.4(DNAAF4):c.31C>T (p.Gln11Ter)

Genes: DNAAF4-CCPG1 (DNAAF4-CCPG1 readthrough (NMD candidate); minus strand), DNAAF4 (dynein axonemal assembly factor 4; minus strand). Cytogenetic location: 15q21.3.
Variant type: single nucleotide variant.
Coding change: c.31C>T on transcript NM_130810.4 (MANE Select); coding-DNA position 31, C replaced by T.
Protein change: p.Gln11Ter; replaces glutamine 11 with a stop codon.
Molecular consequence: nonsense. On other transcripts: non-coding transcript variant (1).
Genome position (GRCh38, 1-based): chr15:55,498,299, G>A on the plus strand (C>T on the coding strand, the complement: DNAAF4 is on the minus strand). VCF-style: chr15-55498299-G-A. GRCh37 (hg19) VCF-style: chr15-55790497-G-A.
Other names: c.31C>T, p.Gln11Ter (NM_001033559.3, NM_001033560.2); short protein forms Q11*.
Identifiers: ClinVar variation 525326 (VCV000525326.9), dbSNP rs1302509857, ClinGen allele CA392554051.